The following is an entry in ClinVar:

ClinVar aggregate classification (germline): Uncertain significance (1 of 4 stars; one submission).

Allele frequency attached by ClinVar (database versions not stated): gnomAD exomes below 0.00001.
gnomAD v4.1: 5 of 1,614,252 alleles (0.00031%); highest among the groups gnomAD compares: Non-Finnish European, 0.00042%; no homozygotes.

Submission:

Labcorp Genetics (formerly Invitae), Labcorp
Classification: Uncertain significance. Last evaluated: 2021-10-07. Review status: criteria provided, single submitter. Criteria: Invitae Variant Classification Sherloc (09022015). Collection method: clinical testing. Allele origin: germline.
Comment: Algorithms developed to predict the effect of missense changes on protein structure and function are either unavailable or do not agree on the potential impact of this missense change (SIFT: "Not Available"; PolyPhen-2: "Probably Damaging"; Align-GVGD: "Not Available"). This sequence change replaces valine with methionine at codon 456 of the UNC45A protein (p.Val456Met). The valine residue is moderately conserved and there is a small physicochemical difference between valine and methionine. This variant is not present in population databases (ExAC no frequency). This variant has not been reported in the literature in individuals affected with UNC45A-related conditions. In summary, the available evidence is currently insufficient to determine the role of this variant in disease. Therefore, it has been classified as a Variant of Uncertain Significance.

NM_018671.5(UNC45A):c.1366G>A (p.Val456Met)

Gene: UNC45A (unc-45 myosin chaperone A; plus strand). Cytogenetic location: 15q26.1.
Variant type: single nucleotide variant.
Coding change: c.1366G>A on transcript NM_018671.5 (MANE Select); coding-DNA position 1366, G replaced by A.
Protein change: p.Val456Met; replaces valine 456 with methionine.
Molecular consequence: missense variant.
Genome position (GRCh38, 1-based): chr15:90,946,780, G>A. VCF-style: chr15-90946780-G-A. GRCh37 (hg19) VCF-style: chr15-91490010-G-A.
Other names: c.1321G>A, p.Val441Met (NM_001039675.2, NM_001323621.2); c.1366G>A, p.Val456Met (NM_001323619.1); c.931G>A, p.Val311Met (NM_001323620.2); short protein forms V441M, V311M, V456M.
Identifiers: ClinVar variation 1385046 (VCV001385046.5), dbSNP rs150311909, ClinGen allele CA393856832.